The following is an entry in ClinVar:

NM_000202.8(IDS):c.320C>G (p.Ser107Cys)

Gene: IDS (iduronate 2-sulfatase; minus strand). Cytogenetic location: Xq28.
Variant type: single nucleotide variant.
Coding change: c.320C>G on transcript NM_000202.8 (MANE Select); coding-DNA position 320, C replaced by G.
Protein change: p.Ser107Cys; replaces serine 107 with cysteine.
Molecular consequence: missense variant. On other transcripts: non-coding transcript variant (1).
Genome position (GRCh38, 1-based): chrX:149,503,410, G>C on the plus strand (C>G on the coding strand, the complement: IDS is on the minus strand). VCF-style: chrX-149503410-G-C. GRCh37 (hg19) VCF-style: chrX-148584940-G-C.
Other names: c.50C>G, p.Ser17Cys (NM_001166550.4); c.320C>G, p.Ser107Cys (NM_006123.5); short protein forms S107C, S17C.
Identifiers: ClinVar variation 5038184 (VCV005038184.1).

ClinVar aggregate classification (germline): Uncertain significance (1 of 4 stars; one submission).

Conditions:
Mucopolysaccharidosis, MPS-II (MPS2). Also called: IDS deficiency; Sulfoiduronate sulfatase deficiency; SIDS deficiency; Mucopolysaccharidosis with skin involvement; Mucopolysaccharidosis type 2; Mucopolysaccharidosis Type II. Identifiers: Orphanet 580, Orphanet 79388, MedGen C0026705, MONDO:0010674, OMIM 309900.

Submission:

MVZ Medizinische Genetik Mainz
Classification: Uncertain significance for Mucopolysaccharidosis, MPS-II. Last evaluated: 2026-09-16. Review status: criteria provided, single submitter. Criteria: UK Practice Guidelines For Variant Classification V4 01 2020. Collection method: clinical testing. Allele origin: germline. Inheritance: Unknown mechanism. Affected: yes. Observed: 1 variant allele.
Comment: ACMG Criteria: PP3_STR,PM2_SUP